The following is an entry in ClinVar:

ClinVar aggregate classification (germline): Uncertain significance (1 of 4 stars; one submission).

Allele frequency attached by ClinVar (database versions not stated): gnomAD exomes 0.00001; TOPMed 0.00002.
gnomAD v4.1: 9 of 1,613,998 alleles (0.00056%); highest among the groups gnomAD compares: Middle Eastern, 0.016%; no homozygotes.

Submission:

Labcorp Genetics (formerly Invitae), Labcorp
Classification: Uncertain significance. Last evaluated: 2023-07-07. Review status: criteria provided, single submitter. Criteria: Invitae Variant Classification Sherloc (09022015). Collection method: clinical testing. Allele origin: germline.
Comment: This variant has not been reported in the literature in individuals affected with RNF216-related conditions. In summary, the available evidence is currently insufficient to determine the role of this variant in disease. Therefore, it has been classified as a Variant of Uncertain Significance. An algorithm developed to predict the effect of missense changes on protein structure and function (PolyPhen-2) suggests that this variant is likely to be disruptive. ClinVar contains an entry for this variant (Variation ID: 1475197). This variant is not present in population databases (gnomAD no frequency). This sequence change replaces arginine, which is basic and polar, with tryptophan, which is neutral and slightly polar, at codon 895 of the RNF216 protein (p.Arg895Trp).

NM_207111.4(RNF216):c.2683C>T (p.Arg895Trp)

Gene: RNF216 (ring finger protein 216; minus strand). Cytogenetic location: 7p22.1.
Variant type: single nucleotide variant.
Coding change: c.2683C>T on transcript NM_207111.4 (MANE Select); coding-DNA position 2683, C replaced by T.
Protein change: p.Arg895Trp; replaces arginine 895 with tryptophan.
Molecular consequence: missense variant.
Genome position (GRCh38, 1-based): chr7:5,622,949, G>A on the plus strand (C>T on the coding strand, the complement: RNF216 is on the minus strand). VCF-style: chr7-5622949-G-A. GRCh37 (hg19) VCF-style: chr7-5662580-G-A.
Other names: c.2512C>T, p.Arg838Trp (NM_001377156.1, NM_207116.3); short protein forms R838W, R895W.
Identifiers: ClinVar variation 1475197 (VCV001475197.6), dbSNP rs1181928002, ClinGen allele CA366730935.